The following is an entry in ClinVar:

NM_002471.4(MYH6):c.2293-5T>A

Gene: MYH6 (myosin heavy chain 6; minus strand). Cytogenetic location: 14q11.2.
Variant type: single nucleotide variant.
Coding change: c.2293-5T>A on transcript NM_002471.4 (MANE Select); 5 bases into the intron before coding-DNA position 2293, T replaced by A.
Molecular consequence: intron variant.
Genome position (GRCh38, 1-based): chr14:23,396,425, A>T on the plus strand (T>A on the coding strand, the complement: MYH6 is on the minus strand). VCF-style: chr14-23396425-A-T. GRCh37 (hg19) VCF-style: chr14-23865634-A-T.
Identifiers: ClinVar variation 1372587 (VCV001372587.8), dbSNP rs764242322, ClinGen allele CA7115505.

ClinVar aggregate classification (germline): Uncertain significance (1 of 4 stars; one submission).

Conditions:
Hypertrophic cardiomyopathy 14. Identifiers: MedGen C2750467, MONDO:0013197, OMIM 613251.

Allele frequency attached by ClinVar (database versions not stated): ExAC 0.00001; gnomAD exomes 0.00001 and 0.00002.
gnomAD v4.1: 5 of 1,613,622 alleles (0.00031%); highest among the groups gnomAD compares: Admixed American, 0.0083%; no homozygotes.

Submission:

Labcorp Genetics (formerly Invitae), Labcorp
Classification: Uncertain significance for Hypertrophic cardiomyopathy 14. Last evaluated: 2025-10-13. Review status: criteria provided, single submitter. Criteria: Invitae Variant Classification Sherloc (09022015). Collection method: clinical testing. Allele origin: germline.
Comment: This sequence change falls in intron 19 of the MYH6 gene. It does not directly change the encoded amino acid sequence of the MYH6 protein. This variant is present in population databases (rs764242322, gnomAD 0.01%). This variant has not been reported in the literature in individuals affected with MYH6-related conditions. ClinVar contains an entry for this variant (Variation ID: 1372587). Algorithms developed to predict the effect of sequence changes on RNA splicing suggest that this variant may disrupt the consensus splice site. In summary, the available evidence is currently insufficient to determine the role of this variant in disease. Therefore, it has been classified as a Variant of Uncertain Significance.